The following is an entry in ClinVar:

NM_000535.7(PMS2):c.2459C>T (p.Thr820Ile)

Gene: PMS2 (PMS1 homolog 2, mismatch repair system component; minus strand). Cytogenetic location: 7p22.1.
Variant type: single nucleotide variant.
Coding change: c.2459C>T on transcript NM_000535.7 (MANE Select); coding-DNA position 2459, C replaced by T.
Protein change: p.Thr820Ile; replaces threonine 820 with isoleucine.
Molecular consequence: missense variant. On other transcripts: non-coding transcript variant (1).
Genome position (GRCh38, 1-based): chr7:5,973,529, G>A on the plus strand (C>T on the coding strand, the complement: PMS2 is on the minus strand). VCF-style: chr7-5973529-G-A. GRCh37 (hg19) VCF-style: chr7-6013160-G-A.
Other names: c.2483C>T, p.Thr828Ile (NM_001406868.1); c.2351C>T, p.Thr784Ile (NM_001406869.1); c.2336C>T, p.Thr779Ile (NM_001406870.1); c.2261C>T, p.Thr754Ile (NM_001406873.1); c.2492C>T, p.Thr831Ile (NM_001322014.2); c.2291C>T, p.Thr764Ile (NM_001406874.1, NM_001406872.1); c.2150C>T, p.Thr717Ile (NM_001322015.2, NM_001406877.1, NM_001406878.1 and 4 more transcripts); c.2645C>T, p.Thr882Ile (NM_001406866.1); and 20 more; short protein forms T712I, T728I, T754I, T882I, T685I, T696I, T708I, T764I.
Identifiers: ClinVar variation 3308081 (VCV003308081.3).
Genomic context (GRCh38, chr7:5,973,529, plus strand): 5'-GGGTGGTCCATCTCCCCCATGTGGGTGATCAGTTTCTTCATCTCGCTTGTGTTAAGAGCA[G>A]TCCCAATCATCACCTGAGTGTGAGACACAATGGTTCAACGTTTTAGTAGTTTTTTGACGT-3'
Protein context (NP_000526.2, residues 810-830): RACRKSVMIG[Thr820Ile]ALNTSEMKKL

ClinVar aggregate classification (germline): Uncertain significance. Review status: criteria provided, multiple submitters, no conflicts (2 of 4 stars). 2 submissions from 2 submitters: Uncertain significance (2). Last evaluated 2024-08-15.

Conditions:
Hereditary cancer-predisposing syndrome. Also called: Tumor predisposition; Hereditary Cancer Syndrome; Hereditary neoplastic syndrome; Neoplastic Syndromes, Hereditary. Identifiers: Orphanet 140162, MedGen C0027672, MeSH D009386, MONDO:0015356.
Hereditary nonpolyposis colorectal neoplasms. Identifiers: MedGen C0009405, MeSH D003123.

Submissions (2):

Labcorp Genetics (formerly Invitae), Labcorp
Classification: Uncertain significance for Hereditary nonpolyposis colorectal neoplasms. Last evaluated: 2024-08-15. Review status: criteria provided, single submitter. Criteria: Invitae Variant Classification Sherloc (09022015). Collection method: clinical testing. Allele origin: germline.
Comment: This sequence change replaces threonine, which is neutral and polar, with isoleucine, which is neutral and non-polar, at codon 820 of the PMS2 protein (p.Thr820Ile). The frequency data for this variant in the population databases (gnomAD) is considered unreliable due to the presence of homologous sequence, such as pseudogenes or paralogs, in the genome. This missense change has been observed in individual(s) with breast cancer (PMID: 34326862). Invitae Evidence Modeling of protein sequence and biophysical properties (such as structural, functional, and spatial information, amino acid conservation, physicochemical variation, residue mobility, and thermodynamic stability) indicates that this missense variant is expected to disrupt PMS2 protein function with a positive predictive value of 80%. In summary, the available evidence is currently insufficient to determine the role of this variant in disease. Therefore, it has been classified as a Variant of Uncertain Significance.

Ambry Genetics
Classification: Uncertain significance for Hereditary cancer-predisposing syndrome. Last evaluated: 2024-03-29. Review status: criteria provided, single submitter. Criteria: Ambry Variant Classification Scheme 2023. Collection method: clinical testing. Allele origin: germline.
Comment: The p.T820I variant (also known as c.2459C>T), located in coding exon 15 of the PMS2 gene, results from a C to T substitution at nucleotide position 2459. The threonine at codon 820 is replaced by isoleucine, an amino acid with similar properties. This amino acid position is highly conserved in available vertebrate species. In addition, this alteration is predicted to be deleterious by in silico analysis. Based on the available evidence, the clinical significance of this alteration remains unclear.

Literature cited by the submitters: PubMed 34326862 (cited by Labcorp Genetics (formerly Invitae), Labcorp).